The following is an entry in ClinVar:

ClinVar aggregate classification (germline): Pathogenic (1 of 4 stars; one submission).

Submission:

Labcorp Genetics (formerly Invitae), Labcorp
Classification: Pathogenic. Last evaluated: 2022-07-14. Review status: criteria provided, single submitter. Criteria: Invitae Variant Classification Sherloc (09022015). Collection method: clinical testing. Allele origin: germline.
Comment: For these reasons, this variant has been classified as Pathogenic. This variant has not been reported in the literature in individuals affected with PRPF31-related conditions. This variant is not present in population databases (gnomAD no frequency). This sequence change creates a premature translational stop signal (p.Gln411Argfs*2) in the PRPF31 gene. It is expected to result in an absent or disrupted protein product. Loss-of-function variants in PRPF31 are known to be pathogenic (PMID: 18317597, 23950152).

Literature cited by the submitters: PubMed 18317597; PubMed 23950152.

NM_015629.4(PRPF31):c.1231del (p.Gln411fs)

Gene: PRPF31 (pre-mRNA processing factor 31; plus strand). Cytogenetic location: 19q13.42.
Variant type: Deletion.
Coding change: c.1231del on transcript NM_015629.4 (MANE Select); coding-DNA position 1231, one base deleted (C; older notation c.1231delC).
Protein change: p.Gln411fs; shifts the reading frame from glutamine 411.
Molecular consequence: frameshift variant.
Genome position (GRCh38, 1-based): chr19:54,129,141, C deleted. VCF-style (leftmost placement, unchanged base first): chr19-54129140-AC-A. GRCh37 (hg19) VCF-style: chr19-54632515-AC-A.
Other names: short protein forms Q411fs.
Identifiers: ClinVar variation 1998640 (VCV001998640.4), dbSNP rs2516206372, ClinGen allele CA2580097822.